The following is an entry in ClinVar:

NM_139017.7(IL31RA):c.773-9T>C

Gene: IL31RA (interleukin 31 receptor A; plus strand). Cytogenetic location: 5q11.2.
Variant type: single nucleotide variant.
Coding change: c.773-9T>C on transcript NM_139017.7 (MANE Select); 9 bases into the intron before coding-DNA position 773, T replaced by C.
Molecular consequence: intron variant.
Genome position (GRCh38, 1-based): chr5:55,896,341, T>C. VCF-style: chr5-55896341-T-C. GRCh37 (hg19) VCF-style: chr5-55192169-T-C.
Other names: c.716-9T>C (NM_001242638.2, NM_001242636.2); c.773-9T>C (NM_001242637.2, NM_001297570.3); c.347-9T>C (NM_001242639.2).
Identifiers: ClinVar variation 785124 (VCV000785124.7), dbSNP rs73118479, ClinGen allele CA3270594.
Genomic context (GRCh38, chr5:55,896,341, plus strand): 5'-CTAACCTTTCCTGTCTCCTCTGCAACTCCCTTATCTCTGGGTTGAGTACCTCATTCTTGT[T>C]CCTTACAGCTCCATGTGGCCTGGAACTGTGGAGAGTCCTGAAACCAGCTGAGGCGGATGG-3'

ClinVar aggregate classification (germline): Benign. Review status: criteria provided, multiple submitters, no conflicts (2 of 4 stars). 3 submissions from 3 submitters: Benign (2). 1 of the submissions does not count toward it. Last evaluated 2019-12-31.

Conditions:
IL31RA-related disorder. Also called: IL31RA-related condition.

Allele frequency attached by ClinVar (database versions not stated): gnomAD exomes 0.00318 and 0.00133; ExAC 0.00393; 1000 Genomes Project 0.01358; gnomAD 0.01277 and 0.01381; ESP Exome Variant Server 0.01353; TOPMed 0.01473; 1000 Genomes Project 30x 0.01421.
gnomAD v4.1: 3,948 of 1,605,150 alleles (0.25%); highest among the groups gnomAD compares: African/African-American, 4.5%; 85 homozygotes.

Submissions (3):

Labcorp Genetics (formerly Invitae), Labcorp
Classification: Benign. Last evaluated: 2019-12-31. Review status: criteria provided, single submitter. Criteria: Invitae Variant Classification Sherloc (09022015). Collection method: clinical testing. Allele origin: germline.

Breakthrough Genomics
Classification: Benign. Review status: criteria provided, single submitter. Criteria: ACMG Guidelines, 2015. Collection method: not provided. Allele origin: germline. Inheritance: Autosomal dominant inheritance. Affected: yes.

PreventionGenetics, part of Exact Sciences
Classification: Benign for IL31RA-related condition. Last evaluated: 2020-01-02. Review status: no assertion criteria provided. Collection method: clinical testing. Allele origin: germline. Not counted in ClinVar's aggregate classification.
Comment: This variant is classified as benign based on ACMG/AMP sequence variant interpretation guidelines (Richards et al. 2015 PMID: 25741868, with internal and published modifications).